The following is an entry in ClinVar:

NM_014806.5(RUSC2):c.4018G>A (p.Gly1340Ser)

Gene: RUSC2 (RUN and SH3 domain containing 2; plus strand). Cytogenetic location: 9p13.3.
Variant type: single nucleotide variant.
Coding change: c.4018G>A on transcript NM_014806.5 (MANE Select); coding-DNA position 4018, G replaced by A.
Protein change: p.Gly1340Ser; replaces glycine 1340 with serine.
Molecular consequence: missense variant. On other transcripts: non-coding transcript variant (1).
Genome position (GRCh38, 1-based): chr9:35,560,658, G>A. VCF-style: chr9-35560658-G-A. GRCh37 (hg19) VCF-style: chr9-35560655-G-A.
Other names: c.4018G>A, p.Gly1340Ser (NM_001135999.2); c.1384G>A, p.Gly462Ser (NM_001330740.2); short protein forms G1340S, G462S.
Identifiers: ClinVar variation 1435133 (VCV001435133.3), dbSNP rs911145765, ClinGen allele CA373356098.

ClinVar aggregate classification (germline): Uncertain significance (1 of 4 stars; one submission).

Allele frequency attached by ClinVar (database versions not stated): gnomAD exomes 0.00001.
gnomAD v4.1: 12 of 1,589,782 alleles (0.00075%); highest among the groups gnomAD compares: Admixed American, 0.013%; no homozygotes.

Submission:

Labcorp Genetics (formerly Invitae), Labcorp
Classification: Uncertain significance. Last evaluated: 2021-12-10. Review status: criteria provided, single submitter. Criteria: Invitae Variant Classification Sherloc (09022015). Collection method: clinical testing. Allele origin: germline.
Comment: This sequence change replaces glycine, which is neutral and non-polar, with serine, which is neutral and polar, at codon 1340 of the RUSC2 protein (p.Gly1340Ser). This variant is present in population databases (no rsID available, gnomAD 0.004%). This variant has not been reported in the literature in individuals affected with RUSC2-related conditions. Algorithms developed to predict the effect of missense changes on protein structure and function are either unavailable or do not agree on the potential impact of this missense change (SIFT: "Tolerated"; PolyPhen-2: "Possibly Damaging"; Align-GVGD: "Class C0"). In summary, the available evidence is currently insufficient to determine the role of this variant in disease. Therefore, it has been classified as a Variant of Uncertain Significance.